The following is an entry in ClinVar:

NM_005591.4(MRE11):c.850G>A (p.Val284Ile)

Gene: MRE11 (MRE11 double strand break repair nuclease; minus strand). Cytogenetic location: 11q21.
Variant type: single nucleotide variant.
Coding change: c.850G>A on transcript NM_005591.4 (MANE Select); coding-DNA position 850, G replaced by A.
Protein change: p.Val284Ile; replaces valine 284 with isoleucine.
Molecular consequence: missense variant.
Genome position (GRCh38, 1-based): chr11:94,470,638, C>T on the plus strand (G>A on the coding strand, the complement: MRE11 is on the minus strand). VCF-style: chr11-94470638-C-T. GRCh37 (hg19) VCF-style: chr11-94203804-C-T.
Other names: c.850G>A, p.Val284Ile (NM_001330347.2, NM_005590.4); short protein forms V284I.
Identifiers: ClinVar variation 3874312 (VCV003874312.1).
Genomic context (GRCh38, chr11:94,470,638, plus strand): 5'-CTGTGTGAAGAGGAATTTTATGCATATTCATCTTCCTCCCTTTAATACGCAGCAAACCAA[C>T]ATGTCTGAAGTGGAGAGAAATGAACACCGAGTCACAGTGTAAATTTCCTCAGGGTGATGT-3'
Protein context (NP_005582.1, residues 274-294): LSPGEAVKKH[Val284Ile]GLLRIKGRKM

ClinVar aggregate classification (germline): Uncertain significance (1 of 4 stars; one submission).

Conditions:
Hereditary cancer-predisposing syndrome. Also called: Tumor predisposition; Neoplastic Syndromes, Hereditary; Hereditary Cancer Syndrome; Hereditary neoplastic syndrome. Identifiers: Orphanet 140162, MedGen C0027672, MeSH D009386, MONDO:0015356.

Submission:

Ambry Genetics
Classification: Uncertain significance for Hereditary cancer-predisposing syndrome. Last evaluated: 2024-12-19. Review status: criteria provided, single submitter. Criteria: Ambry Variant Classification Scheme 2023. Collection method: clinical testing. Allele origin: germline.
Comment: The p.V284I variant (also known as c.850G>A), located in coding exon 8 of the MRE11A gene, results from a G to A substitution at nucleotide position 850. The valine at codon 284 is replaced by isoleucine, an amino acid with highly similar properties. This amino acid position is conserved. In addition, this alteration is predicted to be tolerated by in silico analysis. Based on the available evidence, the clinical significance of this variant remains unclear.